The following is an entry in ClinVar:

ClinVar aggregate classification (germline): Likely pathogenic (1 of 4 stars; one submission).

Conditions:
Pendred syndrome (PDS). Also called: Pendred Syndrome (PDS); GOITER-DEAFNESS SYNDROME; HYPOTHYROIDISM, CONGENITAL, DUE TO DYSHORMONOGENESIS, 2B; Pendred's syndrome; DEAFNESS WITH GOITER; THYROID DYSHORMONOGENESIS 2B. Identifiers: Orphanet 705, MedGen C0271829, MONDO:0010134, OMIM 274600.

Submission:

Myriad Genetics, Inc.
Classification: Likely pathogenic for Pendred syndrome. Last evaluated: 2022-03-31. Review status: criteria provided, single submitter. Criteria: Myriad Women's Health Autosomal Recessive and X-Linked Classification Criteria (2021). Collection method: clinical testing. Allele origin: unknown.
Comment: NM_000441.1(SLC26A4):c.1375A>T(K459*) is expected to be pathogenic in the context of Pendred syndrome. This variant is predicted to lead to an abnormal or absent protein product due to the creation of a premature termination codon in SLC26A4, a gene where loss-of-function variants are known to be pathogenic. Please note: this variant was assessed in the context of healthy population screening.

NM_000441.2(SLC26A4):c.1375A>T (p.Lys459Ter)

Gene: SLC26A4 (solute carrier family 26 member 4; plus strand). Cytogenetic location: 7q22.3.
Variant type: single nucleotide variant.
Coding change: c.1375A>T on transcript NM_000441.2 (MANE Select); coding-DNA position 1375, A replaced by T.
Protein change: p.Lys459Ter; replaces lysine 459 with a stop codon.
Molecular consequence: nonsense.
Genome position (GRCh38, 1-based): chr7:107,694,654, A>T. VCF-style: chr7-107694654-A-T. GRCh37 (hg19) VCF-style: chr7-107335099-A-T.
Other names: short protein forms K459*.
Identifiers: ClinVar variation 1725695 (VCV001725695.2), dbSNP rs2535327387, ClinGen allele CA368840628.